The following is an entry in ClinVar:

NM_000392.5(ABCC2):c.4131G>T (p.Leu1377=)

Gene: ABCC2 (ATP binding cassette subfamily C member 2; plus strand). Cytogenetic location: 10q24.2.
Variant type: single nucleotide variant.
Coding change: c.4131G>T on transcript NM_000392.5 (MANE Select); coding-DNA position 4131, G replaced by T.
Protein change: p.Leu1377=; no amino-acid change (leucine 1377 retained).
Molecular consequence: synonymous variant.
Genome position (GRCh38, 1-based): chr10:99,845,767, G>T. VCF-style: chr10-99845767-G-T. GRCh37 (hg19) VCF-style: chr10-101605524-G-T.
Identifiers: ClinVar variation 4979767 (VCV004979767.1).
Genomic context (GRCh38, chr10:99,845,767, plus strand): 5'-GATTATCATTGATGGAGTAGATATTGCTTCCATTGGGCTCCACGACCTCCGAGAGAAGCT[G>T]ACCATCATCCCCCAGGTGAGCTCTAGAACTTACTCGGGCACATGCCGTGGGGAGCAGCTT-3'
Protein context (NP_000383.2, residues 1367-1387): SIGLHDLREK[Leu1377=]TIIPQDPILF

ClinVar aggregate classification (germline): Likely benign (1 of 4 stars; one submission).

Conditions:
ABCC2-related disorder. Also called: ABCC2-related condition.

gnomAD v4.1: 1 of 1,612,322 alleles (0.000062%); highest among the groups gnomAD compares: South Asian, 0.0011%; no homozygotes.

Submission:

PreventionGenetics, part of Exact Sciences
Classification: Likely benign for ABCC2-related condition. Last evaluated: 2025-09-10. Review status: criteria provided, single submitter. Criteria: ACMG Guidelines, 2015. Collection method: clinical testing. Allele origin: germline.
Comment: This variant is classified as likely benign based on ACMG/AMP sequence variant interpretation guidelines (Richards et al. 2015 PMID: 25741868, with internal and published modifications).